The following is an entry in ClinVar:

ClinVar aggregate classification (germline): Uncertain significance (1 of 4 stars; one submission).

Submission:

Labcorp Genetics (formerly Invitae), Labcorp
Classification: Uncertain significance. Last evaluated: 2025-08-13. Review status: criteria provided, single submitter. Criteria: Invitae Variant Classification Sherloc (09022015). Collection method: clinical testing. Allele origin: germline.
Comment: This sequence change replaces aspartic acid, which is acidic and polar, with glutamic acid, which is acidic and polar, at codon 223 of the PACS2 protein (p.Asp223Glu). This variant is not present in population databases (gnomAD no frequency). This variant has not been reported in the literature in individuals affected with PACS2-related conditions. An algorithm developed to predict the effect of missense changes on protein structure and function (PolyPhen-2) suggests that this variant is likely to be tolerated. In summary, the available evidence is currently insufficient to determine the role of this variant in disease. Therefore, it has been classified as a Variant of Uncertain Significance.

NM_001100913.3(PACS2):c.669C>G (p.Asp223Glu)

Gene: PACS2 (phosphofurin acidic cluster sorting protein 2; plus strand). Cytogenetic location: 14q32.33.
Variant type: single nucleotide variant.
Coding change: c.669C>G on transcript NM_001100913.3 (MANE Select); coding-DNA position 669, C replaced by G.
Protein change: p.Asp223Glu; replaces aspartic acid 223 with glutamic acid.
Molecular consequence: missense variant.
Genome position (GRCh38, 1-based): chr14:105,368,467, C>G. VCF-style: chr14-105368467-C-G. GRCh37 (hg19) VCF-style: chr14-105834804-C-G.
Other names: c.468C>G, p.Asp156Glu (NM_001243127.3); c.669C>G, p.Asp223Glu (NM_015197.4); short protein forms D223E, D156E.
Identifiers: ClinVar variation 4702359 (VCV004702359.1).